The following is an entry in ClinVar:

NM_133496.5(SLC30A7):c.398C>T (p.Pro133Leu)

Gene: SLC30A7 (solute carrier family 30 member 7; plus strand). Cytogenetic location: 1p21.2.
Variant type: single nucleotide variant.
Coding change: c.398C>T on transcript NM_133496.5 (MANE Select); coding-DNA position 398, C replaced by T.
Protein change: p.Pro133Leu; replaces proline 133 with leucine.
Molecular consequence: missense variant.
Genome position (GRCh38, 1-based): chr1:100,912,125, C>T. VCF-style: chr1-100912125-C-T. GRCh37 (hg19) VCF-style: chr1-101377681-C-T.
Other names: c.398C>T, p.Pro133Leu (NM_001144884.2); short protein forms P133L.
Identifiers: ClinVar variation 4167642 (VCV004167642.2).

ClinVar aggregate classification (germline): Uncertain significance. Review status: criteria provided, multiple submitters, no conflicts (2 of 4 stars). 2 submissions from 2 submitters: Uncertain significance (2). Last evaluated 2025-08-03.

gnomAD v4.1: 188 of 1,613,690 alleles (0.012%); highest among the groups gnomAD compares: Non-Finnish European, 0.015%; no homozygotes.

Submissions (2):

Ambry Genetics
Classification: Uncertain significance. Last evaluated: 2025-08-03. Review status: criteria provided, single submitter. Criteria: Ambry Variant Classification Scheme 2023. Collection method: clinical testing. Allele origin: germline.

Labcorp Genetics (formerly Invitae), Labcorp
Classification: Uncertain significance. Last evaluated: 2025-06-09. Review status: criteria provided, single submitter. Criteria: Invitae Variant Classification Sherloc (09022015). Collection method: clinical testing. Allele origin: germline.
Comment: This sequence change replaces proline, which is neutral and non-polar, with leucine, which is neutral and non-polar, at codon 133 of the SLC30A7 protein (p.Pro133Leu). This variant is present in population databases (rs374579638, gnomAD 0.02%). This variant has not been reported in the literature in individuals affected with SLC30A7-related conditions. An algorithm developed to predict the effect of missense changes on protein structure and function (PolyPhen-2) suggests that this variant is likely to be disruptive. In summary, the available evidence is currently insufficient to determine the role of this variant in disease. Therefore, it has been classified as a Variant of Uncertain Significance.